The following is an entry in ClinVar:

NM_021005.4(NR2F2):c.816C>G (p.Ala272=)

Gene: NR2F2 (nuclear receptor subfamily 2 group F member 2; plus strand). Cytogenetic location: 15q26.2.
Variant type: single nucleotide variant.
Coding change: c.816C>G on transcript NM_021005.4 (MANE Select); coding-DNA position 816, C replaced by G.
Protein change: p.Ala272=; no amino-acid change (alanine 272 retained).
Molecular consequence: synonymous variant.
Genome position (GRCh38, 1-based): chr15:96,334,449, C>G. VCF-style: chr15-96334449-C-G. GRCh37 (hg19) VCF-style: chr15-96877678-C-G.
Other names: c.417C>G, p.Ala139= (NM_001145155.2); c.357C>G, p.Ala119= (NM_001145156.1, NM_001145157.2).
Identifiers: ClinVar variation 697865 (VCV000697865.9), dbSNP rs76163938, ClinGen allele CA7750765.

ClinVar aggregate classification (germline): Likely benign. Review status: criteria provided, multiple submitters, no conflicts (2 of 4 stars). 2 submissions from 2 submitters: Likely benign (2). Last evaluated 2026-06-25.

Conditions:
Congenital heart defects, multiple types, 4 (CHTD4). Identifiers: MedGen C4014310, MONDO:0014344, OMIM 615779.
NR2F2-related disorder. Also called: NR2F2-related condition.

Allele frequency attached by ClinVar (database versions not stated): ExAC 0.00014; gnomAD exomes 0.00017; gnomAD 0.00019; TOPMed 0.00019; ESP Exome Variant Server 0.00031.
gnomAD v4.1: 558 of 1,613,804 alleles (0.035%); highest among the groups gnomAD compares: Non-Finnish European, 0.042%; 1 homozygote.

Submissions (2):

PreventionGenetics, part of Exact Sciences
Classification: Likely benign for NR2F2-related condition. Last evaluated: 2026-06-25. Review status: criteria provided, single submitter. Criteria: ACMG Guidelines, 2015. Collection method: clinical testing. Allele origin: germline.
Comment: This variant is classified as likely benign based on ACMG/AMP sequence variant interpretation guidelines (Richards et al. 2015 PMID: 25741868, with internal and published modifications).

Labcorp Genetics (formerly Invitae), Labcorp
Classification: Likely benign for Congenital heart defects, multiple types, 4. Last evaluated: 2025-04-06. Review status: criteria provided, single submitter. Criteria: Invitae Variant Classification Sherloc (09022015). Collection method: clinical testing. Allele origin: germline.